The following is an entry in ClinVar:

NM_001198533.2(OXR1):c.435A>G (p.Glu145=)

Gene: OXR1 (oxidation resistance 1; plus strand). Cytogenetic location: 8q23.1.
Variant type: single nucleotide variant.
Coding change: c.435A>G on transcript NM_001198533.2 (MANE Select); coding-DNA position 435, A replaced by G.
Protein change: p.Glu145=; no amino-acid change (glutamic acid 145 retained).
Molecular consequence: synonymous variant.
Genome position (GRCh38, 1-based): chr8:106,684,269, A>G. VCF-style: chr8-106684269-A-G. GRCh37 (hg19) VCF-style: chr8-107696497-A-G.
Other names: c.438A>G, p.Glu146= (NM_001198532.1); c.435A>G, p.Glu145= (NM_018002.3); c.414A>G, p.Glu138= (NM_181354.4).
Identifiers: ClinVar variation 4535119 (VCV004535119.6).

ClinVar aggregate classification (germline): Likely benign (1 of 4 stars; one submission).

gnomAD v4.1: 2 of 1,597,424 alleles (0.00013%); highest among the groups gnomAD compares: Admixed American, 0.0017%; no homozygotes.

Submission:

CeGaT Center for Human Genetics Tuebingen
Classification: Likely benign. Last evaluated: 2025-10-01. Review status: criteria provided, single submitter. Criteria: CeGaT Center For Human Genetics Tuebingen Variant Classification Criteria Version 2. Collection method: clinical testing. Allele origin: germline. Affected: yes. Observed: 1 variant allele.
Comment: OXR1: BP4, BP7